The following is an entry in ClinVar:

NM_015512.5(DNAH1):c.5610+4A>C

Gene: DNAH1 (dynein axonemal heavy chain 1; plus strand). Cytogenetic location: 3p21.1.
Variant type: single nucleotide variant.
Coding change: c.5610+4A>C on transcript NM_015512.5 (MANE Select); 4 bases into the intron after coding-DNA position 5610, A replaced by C.
Molecular consequence: intron variant.
Genome position (GRCh38, 1-based): chr3:52,366,552, A>C. VCF-style: chr3-52366552-A-C. GRCh37 (hg19) VCF-style: chr3-52400568-A-C.
Identifiers: ClinVar variation 4793341 (VCV004793341.1).

ClinVar aggregate classification (germline): Uncertain significance (1 of 4 stars; one submission).

Conditions:
Spermatogenic failure 18. Identifiers: MedGen C4539783, MONDO:0054615, OMIM 617576.
Ciliary dyskinesia, primary, 37 (CILD37). Also called: CILIARY DYSKINESIA, PRIMARY, 37, WITH OR WITHOUT SITUS INVERSUS. Identifiers: MedGen C4539798, MONDO:0033204, OMIM 617577.

Submission:

Labcorp Genetics (formerly Invitae), Labcorp
Classification: Uncertain significance for Ciliary dyskinesia, primary, 37; Spermatogenic failure 18. Last evaluated: 2025-06-15. Review status: criteria provided, single submitter. Criteria: Invitae Variant Classification Sherloc (09022015). Collection method: clinical testing. Allele origin: germline.
Comment: This sequence change falls in intron 35 of the DNAH1 gene. It does not directly change the encoded amino acid sequence of the DNAH1 protein. It affects a nucleotide within the consensus splice site. The frequency data for this variant in the population databases is considered unreliable, as metrics indicate poor data quality at this position in the gnomAD database. This variant has not been reported in the literature in individuals affected with DNAH1-related conditions. Variants that disrupt the consensus splice site are a relatively common cause of aberrant splicing (PMID: 17576681, 9536098). Algorithms developed to predict the effect of sequence changes on RNA splicing suggest that this variant may disrupt the consensus splice site. In summary, the available evidence is currently insufficient to determine the role of this variant in disease. Therefore, it has been classified as a Variant of Uncertain Significance.

Literature cited by the submitters: PubMed 17576681; PubMed 9536098.